The following is an entry in ClinVar:

ClinVar aggregate classification (germline): Uncertain significance (1 of 4 stars; one submission).

Submission:

CeGaT Center for Human Genetics Tuebingen
Classification: Uncertain significance. Last evaluated: 2026-06-01. Review status: criteria provided, single submitter. Criteria: CeGaT Center For Human Genetics Tuebingen Variant Classification Criteria Version 2. Collection method: clinical testing. Allele origin: germline. Affected: yes. Observed: 1 variant allele.
Comment: SYNE2: PM2, BP4

NM_182914.3(SYNE2):c.6911G>A (p.Gly2304Asp)

Gene: SYNE2 (spectrin repeat containing nuclear envelope protein 2; plus strand). Cytogenetic location: 14q23.2.
Variant type: single nucleotide variant.
Coding change: c.6911G>A on transcript NM_182914.3 (MANE Select); coding-DNA position 6911, G replaced by A.
Protein change: p.Gly2304Asp; replaces glycine 2304 with aspartic acid.
Molecular consequence: missense variant.
Genome position (GRCh38, 1-based): chr14:64,031,047, G>A. VCF-style: chr14-64031047-G-A. GRCh37 (hg19) VCF-style: chr14-64497765-G-A.
Other names: c.6911G>A, p.Gly2304Asp (NM_015180.6); short protein forms G2304D.
Identifiers: ClinVar variation 4875216 (VCV004875216.2).